The following is an entry in ClinVar:

NM_001122764.3(PPOX):c.121G>C (p.Gly41Arg)

Gene: PPOX (protoporphyrinogen oxidase; plus strand). Cytogenetic location: 1q23.3.
Variant type: single nucleotide variant.
Coding change: c.121G>C on transcript NM_001122764.3 (MANE Select); coding-DNA position 121, G replaced by C.
Protein change: p.Gly41Arg; replaces glycine 41 with arginine.
Molecular consequence: missense variant. On other transcripts: 5 prime UTR variant (5).
Genome position (GRCh38, 1-based): chr1:161,167,133, G>C. VCF-style: chr1-161167133-G-C. GRCh37 (hg19) VCF-style: chr1-161136923-G-C.
Other names: c.121G>C, p.Gly41Arg (NM_000309.5, NM_001350128.2, NM_001365398.1 and 1 more transcripts); c.-307G>C (NM_001350129.2); c.-398G>C (NM_001350130.2); c.-284G>C (NM_001350131.2); c.-191G>C (NM_001365400.1); c.-250G>C (NM_001365401.1); short protein forms G41R.
Identifiers: ClinVar variation 5018950 (VCV005018950.2).
Genomic context (GRCh38, chr1:161,167,133, plus strand): 5'-TGCAGTGTCTCTCCCTCTTGTCGCCAGGTGGTCCTAGTGGAGAGCAGTGAGCGTCTGGGA[G>C]GCTGGATTCGCTCCGTTCGAGGCCCTAATGGTGCTATCTTTGAGCTTGGACCTCGGGGAA-3'
Protein context (NP_001116236.1, residues 31-51): VLVESSERLG[Gly41Arg]WIRSVRGPNG

ClinVar aggregate classification (germline): Uncertain significance (1 of 4 stars; one submission).

Conditions:
Variegate porphyria, childhood-onset (VPCO). Also called: VARIEGATE PORPHYRIA, HOMOZYGOUS VARIANT. Identifiers: MedGen C5882681, MONDO:0957577, OMIM 620483.
Variegate porphyria (VP). Also called: PORPHYRIA, SOUTH AFRICAN TYPE; PROTOPORPHYRINOGEN OXIDASE DEFICIENCY; PPOX DEFICIENCY. Identifiers: Orphanet 79473, MedGen C0162532, MONDO:0008297, OMIM 176200.

Submission:

Juno Genomics, Hangzhou Juno Genomics, Inc
Classification: Uncertain significance for Variegate porphyria; Variegate porphyria, childhood-onset. Review status: criteria provided, single submitter. Criteria: ACMG Guidelines, 2015. Collection method: clinical testing. Allele origin: germline.
Comment: Absent from controls (or at extremely low frequency if recessive) in Genome Aggregation Database.;Multiple lines of computational evidence support a deleterious effect on the gene or gene product.